The following is an entry in ClinVar:

ClinVar aggregate classification (germline): Pathogenic (1 of 4 stars; one submission).

Submission:

Labcorp Genetics (formerly Invitae), Labcorp
Classification: Pathogenic. Last evaluated: 2019-09-25. Review status: criteria provided, single submitter. Criteria: Invitae Variant Classification Sherloc (09022015). Collection method: clinical testing. Allele origin: germline.
Comment: This sequence change creates a premature translational stop signal (p.Leu90Cysfs*2) in the SMARCB1 gene. It is expected to result in an absent or disrupted protein product. This variant is not present in population databases (ExAC no frequency). This variant has not been reported in the literature in individuals with SMARCB1-related conditions. Loss-of-function variants in SMARCB1 are known to be pathogenic (PMID: 10521299, 21208904). For these reasons, this variant has been classified as Pathogenic.

NM_003073.5(SMARCB1):c.268del (p.Leu90fs)

Gene: SMARCB1 (SWI/SNF related BAF chromatin remodeling complex subunit B1; plus strand). Cytogenetic location: 22q11.23.
Variant type: Deletion.
Coding change: c.268del on transcript NM_003073.5 (MANE Select); coding-DNA position 268, one base deleted (C; older notation c.268delC).
Protein change: p.Leu90fs; shifts the reading frame from leucine 90.
Molecular consequence: frameshift variant.
Genome position (GRCh38, 1-based): chr22:23,793,594, C deleted; the last of 3 consecutive C bases (chr22:23,793,592-23,793,594); deleting any one gives the same sequence. VCF-style (leftmost placement, unchanged base first): chr22-23793591-AC-A. GRCh37 (hg19) VCF-style: chr22-24135778-AC-A.
Other names: c.241del, p.Leu81fs (NM_001007468.3, NM_001317946.2); c.268del, p.Leu90fs (NM_001362877.2); short protein forms L90fs, L81fs.
Identifiers: ClinVar variation 941252 (VCV000941252.1), dbSNP rs1928539937, ClinGen allele CA1139666985.